The following is an entry in ClinVar:

ClinVar aggregate classification (germline): Likely benign (1 of 4 stars; one submission).

Allele frequency attached by ClinVar (database versions not stated): TOPMed below 0.00001.

Submission:

CeGaT Center for Human Genetics Tuebingen
Classification: Likely benign. Last evaluated: 2023-09-01. Review status: criteria provided, single submitter. Criteria: CeGaT Center For Human Genetics Tuebingen Variant Classification Criteria Version 2. Collection method: clinical testing. Allele origin: germline. Affected: yes. Observed: 1 variant allele.
Comment: ABCA13: PM2:Supporting, BP4, BP7

NM_152701.5(ABCA13):c.2361C>T (p.Ala787=)

Gene: ABCA13 (ATP binding cassette subfamily A member 13; plus strand). Cytogenetic location: 7p12.3.
Variant type: single nucleotide variant.
Coding change: c.2361C>T on transcript NM_152701.5 (MANE Select); coding-DNA position 2361, C replaced by T.
Protein change: p.Ala787=; no amino-acid change (alanine 787 retained).
Molecular consequence: synonymous variant.
Genome position (GRCh38, 1-based): chr7:48,272,027, C>T. VCF-style: chr7-48272027-C-T. GRCh37 (hg19) VCF-style: chr7-48311624-C-T.
Identifiers: ClinVar variation 2657469 (VCV002657469.24), dbSNP rs1447266115, ClinGen allele CA455156716.